The following is an entry in ClinVar:

ClinVar aggregate classification (germline): Uncertain significance. Review status: criteria provided, multiple submitters, no conflicts (2 of 4 stars). 2 submissions from 2 submitters: Uncertain significance (2). Last evaluated 2025-12-09.

Conditions:
Townes-Brocks syndrome 1 (TBS1). Also called: SALL1-Related Townes-Brocks Syndrome; DEAFNESS, SENSORINEURAL, WITH IMPERFORATE ANUS AND THUMB ANOMALIES; REAR SYNDROME; RENAL-EAR-ANAL-RADIAL SYNDROME. Identifiers: Orphanet 857, MedGen C4551481, MONDO:0054581, OMIM 107480.
Townes syndrome (TBS). Also called: Townes-Brocks syndrome. Identifiers: Orphanet 857, MedGen C0265246, MeSH C536974, MONDO:0007142.

Allele frequency attached by ClinVar (database versions not stated): ExAC 0.00001.
gnomAD v4.1: 25 of 1,614,002 alleles (0.0015%); highest among the groups gnomAD compares: East Asian, 0.0045%; no homozygotes.

Submissions (2):

Labcorp Genetics (formerly Invitae), Labcorp
Classification: Uncertain significance for Townes syndrome. Last evaluated: 2025-12-09. Review status: criteria provided, single submitter. Criteria: Invitae Variant Classification Sherloc (09022015). Collection method: clinical testing. Allele origin: germline.
Comment: This sequence change replaces alanine, which is neutral and non-polar, with valine, which is neutral and non-polar, at codon 951 of the SALL1 protein (p.Ala951Val). The frequency data for this variant in the population databases is considered unreliable, as metrics indicate poor data quality at this position in the gnomAD database. This variant has not been reported in the literature in individuals affected with SALL1-related conditions. ClinVar contains an entry for this variant (Variation ID: 1514998). Invitae Evidence Modeling of protein sequence and biophysical properties (such as structural, functional, and spatial information, amino acid conservation, physicochemical variation, residue mobility, and thermodynamic stability) indicates that this missense variant is not expected to disrupt SALL1 protein function with a negative predictive value of 80%. In summary, the available evidence is currently insufficient to determine the role of this variant in disease. Therefore, it has been classified as a Variant of Uncertain Significance.

Fulgent Genetics
Classification: Uncertain significance for Townes-Brocks syndrome 1. Last evaluated: 2022-04-06. Review status: criteria provided, single submitter. Criteria: ACMG Guidelines, 2015. Collection method: clinical testing. Allele origin: unknown.

NM_002968.3(SALL1):c.2852C>T (p.Ala951Val)

Gene: SALL1 (spalt like transcription factor 1; minus strand). Cytogenetic location: 16q12.1.
Variant type: single nucleotide variant.
Coding change: c.2852C>T on transcript NM_002968.3 (MANE Select); coding-DNA position 2852, C replaced by T.
Protein change: p.Ala951Val; replaces alanine 951 with valine.
Molecular consequence: missense variant.
Genome position (GRCh38, 1-based): chr16:51,139,370, G>A on the plus strand (C>T on the coding strand, the complement: SALL1 is on the minus strand). VCF-style: chr16-51139370-G-A. GRCh37 (hg19) VCF-style: chr16-51173281-G-A.
Other names: c.2561C>T, p.Ala854Val (NM_001127892.2); short protein forms A951V, A854V.
Identifiers: ClinVar variation 1514998 (VCV001514998.7), dbSNP rs766899404, ClinGen allele CA8053029.